The following is an entry in ClinVar:

ClinVar aggregate classification (germline): Uncertain significance (1 of 4 stars; one submission).

Conditions:
Desmin-related myofibrillar myopathy (MFM1). Also called: Desminopathy; Desmin related myopathy (former name); Desmin storage myopathy (former name); MYOFIBRILLAR MYOPATHY WITH ARRHYTHMOGENIC RIGHT VENTRICULAR CARDIOMYOPATHY; DESMIN-RELATED MYOPATHY WITH ARRHYTHMOGENIC RIGHT VENTRICULAR CARDIOMYOPATHY; Myofibrillar myopathy 1. Identifiers: Orphanet 363543, Orphanet 98909, MedGen C1832370, MONDO:0011076, OMIM 601419.

Submission:

Labcorp Genetics (formerly Invitae), Labcorp
Classification: Uncertain significance for Desmin-related myofibrillar myopathy. Last evaluated: 2025-06-01. Review status: criteria provided, single submitter. Criteria: Invitae Variant Classification Sherloc (09022015). Collection method: clinical testing. Allele origin: germline.
Comment: This sequence change replaces alanine, which is neutral and non-polar, with serine, which is neutral and polar, at codon 286 of the DES protein (p.Ala286Ser). This variant is not present in population databases (gnomAD no frequency). This variant has not been reported in the literature in individuals affected with DES-related conditions. Invitae Evidence Modeling of protein sequence and biophysical properties (such as structural, functional, and spatial information, amino acid conservation, physicochemical variation, residue mobility, and thermodynamic stability) has been performed for this missense variant. However, the output from this modeling did not meet the statistical confidence thresholds required to predict the impact of this variant on DES protein function. In summary, the available evidence is currently insufficient to determine the role of this variant in disease. Therefore, it has been classified as a Variant of Uncertain Significance.

NM_001927.4(DES):c.856G>T (p.Ala286Ser)

Gene: DES (desmin; plus strand). Cytogenetic location: 2q35.
Variant type: single nucleotide variant.
Coding change: c.856G>T on transcript NM_001927.4 (MANE Select); coding-DNA position 856, G replaced by T.
Protein change: p.Ala286Ser; replaces alanine 286 with serine.
Molecular consequence: missense variant. On other transcripts: intron variant (1).
Genome position (GRCh38, 1-based): chr2:219,420,615, G>T. VCF-style: chr2-219420615-G-T. GRCh37 (hg19) VCF-style: chr2-220285337-G-T.
Other names: c.853G>T, p.Ala285Ser (NM_001382708.1); c.856G>T, p.Ala286Ser (NM_001382710.1, NM_001382711.1, NM_001382712.1); c.586G>T, p.Ala196Ser (NM_001382713.1); c.735+269G>T (NM_001382709.1); short protein forms A196S, A286S, A285S.
Identifiers: ClinVar variation 4783728 (VCV004783728.1).
Genomic context (GRCh38, chr2:219,420,615, plus strand): 5'-TCTAAGCCAGACCTCACTGCCGCCCTCAGGGACATCCGGGCTCAGTATGAGACCATCGCG[G>T]CTAAGAACATTTCTGAAGCTGAGGAGTGGTACAAGTCGAAGGTGGGTGGCCTCGCCCGGG-3'
Protein context (NP_001918.3, residues 276-296): DIRAQYETIA[Ala286Ser]KNISEAEEWY